The following is an entry in ClinVar:

ClinVar aggregate classification (germline): Conflicting classifications of pathogenicity. Review status: criteria provided, conflicting classifications (1 of 4 stars). 6 submissions from 6 submitters: Pathogenic (1); Likely pathogenic (3); Uncertain significance (2). Last evaluated 2025-11-25.

Conditions:
Nemaline myopathy. Also called: Myopathies, Nemaline. Identifiers: Orphanet 607, MedGen C0206157, MONDO:0018958.
Nemaline myopathy 2 (NEM2). Also called: Nemaline myopathy 2, autosomal recessive. Identifiers: MedGen C1850569, MONDO:0009725, OMIM 256030.

Allele frequency attached by ClinVar (database versions not stated): gnomAD exomes below 0.00001.
gnomAD v4.1: 2 of 1,609,908 alleles (0.00012%); highest among the groups gnomAD compares: Admixed American, 0.0033%; 1 homozygote.

Submissions (6):

Labcorp Genetics (formerly Invitae), Labcorp
Classification: Pathogenic for Nemaline myopathy 2. Last evaluated: 2025-11-25. Review status: criteria provided, single submitter. Criteria: Invitae Variant Classification Sherloc (09022015). Collection method: clinical testing. Allele origin: germline.
Comment: This sequence change affects codon 981of the NEB mRNA. It is a 'silent' change, meaning that it does not change the encoded amino acid sequence of the NEB protein. This variant also falls at the last nucleotide of exon 29, which is part of the consensus splice site for this exon. This variant is not present in population databases (gnomAD no frequency). This variant has been observed in individual(s) with clinical features of NEB-related conditions (internal data). In at least one individual the data is consistent with being in trans (on the opposite chromosome) from a pathogenic variant. ClinVar contains an entry for this variant (Variation ID: 95127). Variants that disrupt the consensus splice site are a relatively common cause of aberrant splicing (PMID: 17576681, 9536098). Algorithms developed to predict the effect of sequence changes on RNA splicing suggest that this variant may disrupt the consensus splice site. For these reasons, this variant has been classified as Pathogenic.

Dasa
Classification: Likely pathogenic for Nemaline myopathy 2. Last evaluated: 2025-10-03. Review status: criteria provided, single submitter. Criteria: DASA Assertion Criteria. Collection method: clinical testing. Allele origin: germline.
Comment: NM_001164508.2(NEB):c.2943G>A (p.Glu981=) is a synonymous variant predicted not to alter the encoded amino acid sequence. This variant has been recurrently observed in individuals with NEB-related disorders (PMID: 36233295; PMID: 37851294). Also, this variant is rare in population databases. Computational evidence supports a deleterious effect. Based on the currently available evidence, this variant is classified as likely pathogenic.

Broad Center for Mendelian Genomics, Broad Institute of MIT and Harvard
Classification: Likely pathogenic for Nemaline myopathy. Last evaluated: 2025-03-21. Review status: criteria provided, single submitter. Criteria: ACMG Guidelines, 2015. Collection method: curation. Allele origin: germline. Inheritance: Autosomal recessive inheritance.
Comment: The p.Glu981= variant in NEB has been reported, in the compound heterozygous state, in 2 affected siblings with nemaline myopathy (PMID: 36233295), and has been identified in 0.003% (2/59772) of Latino/Admixed American chromosomes by the Genome Aggregation Database (gnomAD; dbSNP ID: rs398124170). Although this variant has been seen in the general population in a heterozygous state, its frequency is low enough to be consistent with a recessive carrier frequency. This variant is located in the last three bases of the exon, which is part of the 3‚Äô splice region. Computational tools do suggest an impact to splicing. However, this information is not predictive enough to determine/rule out pathogenicity. This variant is in an in-frame exon and is more likely to escape nonsense mediated decay (NMD) and result in a truncated protein. Loss of function of the NEB gene is an established disease mechanism in autosomal recessive nemaline myopathy. The phenotype of individuals heterozygous for this variant is highly specific for nemaline myopathy based on the presence of nemaline rods on a muscle biopsy consistent with disease (PMID: 36233295). One additional pathogenic variant, predicted to induce the same splicing effect as this variant, has been reported in ClinVar as being associated with nemaline myopathy, supporting that the p.Glu981= may be pathogenic (Variation ID: 551899). In summary, although additional studies are required to fully establish its clinical significance, this variant is likely pathogenic for autosomal recessive nemaline myopathy. ACMG/AMP Criteria applied: PS1_moderate, PP3, PP4, PM2_supporting, PM3_supporting (Richards 2015).

Mendelics
Classification: Likely pathogenic for Nemaline myopathy 2. Last evaluated: 2022-05-04. Review status: criteria provided, single submitter. Criteria: Mendelics Assertion Criteria 2019. Collection method: clinical testing. Allele origin: germline.

Laboratorio de Genetica e Diagnostico Molecular, Hospital Israelita Albert Einstein
Classification: Uncertain significance. Last evaluated: 2021-06-17. Review status: criteria provided, single submitter. Criteria: ACMG Guidelines, 2015. Collection method: clinical testing. Allele origin: germline. Affected: yes.
Comment: ACMG classification criteria: PM2, PP3

Eurofins Ntd Llc (ga)
Classification: Uncertain significance. Last evaluated: 2013-10-18. Review status: criteria provided, single submitter. Criteria: EGL Classification Definitions 2015. Collection method: clinical testing. Allele origin: germline. Observed: 3 variant alleles, 3 heterozygotes.

Literature cited by the submitters: PubMed 17576681 (cited by Labcorp Genetics (formerly Invitae), Labcorp); PubMed 9536098 (cited by Labcorp Genetics (formerly Invitae), Labcorp); PubMed 36233295 (cited by Dasa); PubMed 37851294 (cited by Dasa).

NM_001164508.2(NEB):c.2943G>A (p.Glu981=)

Gene: NEB (nebulin; minus strand). Cytogenetic location: 2q23.3.
Variant type: single nucleotide variant.
Coding change: c.2943G>A on transcript NM_001164508.2 (MANE Select); coding-DNA position 2943, G replaced by A.
Protein change: p.Glu981=; no amino-acid change (glutamic acid 981 retained).
Molecular consequence: synonymous variant.
Genome position (GRCh38, 1-based): chr2:151,682,662, C>T on the plus strand (G>A on the coding strand, the complement: NEB is on the minus strand). VCF-style: chr2-151682662-C-T. GRCh37 (hg19) VCF-style: chr2-152539176-C-T.
Other names: NM_001164508.2(NEB):c.2943G>A; p.Glu981=; c.2943G>A, p.Glu981= (NM_001164507.2, NM_001271208.2, NM_004543.5).
Identifiers: ClinVar variation 95127 (VCV000095127.15), dbSNP rs398124170, ClinGen allele CA222756.